The following is an entry in ClinVar:

NM_018979.4(WNK1):c.6103C>A (p.Gln2035Lys)

Gene: WNK1 (WNK lysine deficient protein kinase 1; plus strand). Cytogenetic location: 12p13.33.
Variant type: single nucleotide variant.
Coding change: c.6103C>A on transcript NM_018979.4 (MANE Select); coding-DNA position 6103, C replaced by A.
Protein change: p.Gln2035Lys; replaces glutamine 2035 with lysine.
Molecular consequence: missense variant.
Genome position (GRCh38, 1-based): chr12:896,590, C>A. VCF-style: chr12-896590-C-A. GRCh37 (hg19) VCF-style: chr12-1005756-C-A.
Other names: c.6883C>A, p.Gln2295Lys (NM_001184985.2); c.5359C>A, p.Gln1787Lys (NM_014823.3); c.6859C>A, p.Gln2287Lys (NM_213655.5); short protein forms Q1787K, Q2287K, Q2295K, Q2035K.
Identifiers: ClinVar variation 2951128 (VCV002951128.3), dbSNP rs2497555032, ClinGen allele CA383336515.

ClinVar aggregate classification (germline): Uncertain significance (1 of 4 stars; one submission).

Conditions:
Neuropathy, hereditary sensory and autonomic, type 2A (HSAN2A). Also called: HSAN IIA; WNK1-Related HSAN2 (HSAN2A); ACROOSTEOLYSIS, GIACCAI TYPE; ACROOSTEOLYSIS, NEUROGENIC; MORVAN DISEASE; NEUROPATHY, CONGENITAL SENSORY. Identifiers: Orphanet 970, MedGen C2752089, MONDO:0024309, OMIM 201300.
Pseudohypoaldosteronism type 2C (PHA2C). Also called: Pseudohypoaldosteronism Type IIC. Identifiers: Orphanet 757, Orphanet 88940, MedGen C1840391, MONDO:0013778, OMIM 614492.

Submission:

Labcorp Genetics (formerly Invitae), Labcorp
Classification: Uncertain significance for Neuropathy, hereditary sensory and autonomic, type 2A; Pseudohypoaldosteronism type 2C. Last evaluated: 2023-08-19. Review status: criteria provided, single submitter. Criteria: Invitae Variant Classification Sherloc (09022015). Collection method: clinical testing. Allele origin: germline.
Comment: In summary, the available evidence is currently insufficient to determine the role of this variant in disease. Therefore, it has been classified as a Variant of Uncertain Significance. Advanced modeling of protein sequence and biophysical properties (such as structural, functional, and spatial information, amino acid conservation, physicochemical variation, residue mobility, and thermodynamic stability) performed at Invitae indicates that this missense variant is not expected to disrupt WNK1 protein function. This variant has not been reported in the literature in individuals affected with WNK1-related conditions. This variant is not present in population databases (gnomAD no frequency). This sequence change replaces glutamine, which is neutral and polar, with lysine, which is basic and polar, at codon 2287 of the WNK1 protein (p.Gln2287Lys).